The following is an entry in ClinVar:

NM_006031.6(PCNT):c.6635G>A (p.Arg2212Gln)

Gene: PCNT (pericentrin; plus strand). Cytogenetic location: 21q22.3.
Variant type: single nucleotide variant.
Coding change: c.6635G>A on transcript NM_006031.6 (MANE Select); coding-DNA position 6635, G replaced by A.
Protein change: p.Arg2212Gln; replaces arginine 2212 with glutamine.
Molecular consequence: missense variant.
Genome position (GRCh38, 1-based): chr21:46,416,553, G>A. VCF-style: chr21-46416553-G-A. GRCh37 (hg19) VCF-style: chr21-47836467-G-A.
Other names: c.6281G>A, p.Arg2094Gln (NM_001315529.2); short protein forms R2212Q, R2094Q.
Identifiers: ClinVar variation 281563 (VCV000281563.8), dbSNP rs201503338, ClinGen allele CA10080369.

ClinVar aggregate classification (germline): Conflicting classifications of pathogenicity. Review status: criteria provided, conflicting classifications (1 of 4 stars). 4 submissions from 4 submitters: Uncertain significance (3); Likely benign (1). Last evaluated 2026-04-13.

Conditions:
PCNT-related disorder. Also called: PCNT-related condition.

Allele frequency attached by ClinVar (database versions not stated): gnomAD 0.00010; TOPMed 0.00010; 1000 Genomes Project 0.00020; 1000 Genomes Project 30x 0.00031.
gnomAD v4.1: 46 of 1,612,918 alleles (0.0029%); highest among the groups gnomAD compares: Middle Eastern, 0.066%; 1 homozygote.

Submissions (4):

PreventionGenetics, part of Exact Sciences
Classification: Uncertain significance for PCNT-related condition. Last evaluated: 2026-04-13. Review status: criteria provided, single submitter. Criteria: ACMG Guidelines, 2015. Collection method: clinical testing. Allele origin: germline.
Comment: The PCNT c.6635G>A variant is predicted to result in the amino acid substitution p.Arg2212Gln. To our knowledge, this variant has not been reported in the literature. This variant is reported in 0.090% of alleles in individuals of East Asian descent in gnomAD, which is likely too common for an undocumented disease-causing variant. Although we suspect that this variant may be benign, at this time, the clinical significance of this variant is uncertain due to the absence of conclusive functional and genetic evidence.

Labcorp Genetics (formerly Invitae), Labcorp
Classification: Uncertain significance. Last evaluated: 2022-04-30. Review status: criteria provided, single submitter. Criteria: Invitae Variant Classification Sherloc (09022015). Collection method: clinical testing. Allele origin: germline.
Comment: This sequence change replaces arginine, which is basic and polar, with glutamine, which is neutral and polar, at codon 2212 of the PCNT protein (p.Arg2212Gln). This variant is present in population databases (rs201503338, gnomAD 0.09%). This variant has not been reported in the literature in individuals affected with PCNT-related conditions. ClinVar contains an entry for this variant (Variation ID: 281563). Algorithms developed to predict the effect of missense changes on protein structure and function output the following: SIFT: "Tolerated"; PolyPhen-2: "Benign"; Align-GVGD: "Class C0". The glutamine amino acid residue is found in multiple mammalian species, which suggests that this missense change does not adversely affect protein function. In summary, the available evidence is currently insufficient to determine the role of this variant in disease. Therefore, it has been classified as a Variant of Uncertain Significance.

GeneDx
Classification: Likely benign. Last evaluated: 2017-11-17. Review status: criteria provided, single submitter. Criteria: GeneDx Variant Classification (06012015). Collection method: clinical testing. Allele origin: germline. Affected: yes.
Comment: This variant is considered likely benign or benign based on one or more of the following criteria: it is a conservative change, it occurs at a poorly conserved position in the protein, it is predicted to be benign by multiple in silico algorithms, and/or has population frequency not consistent with disease.

Eurofins Ntd Llc (ga)
Classification: Uncertain significance. Last evaluated: 2015-06-29. Review status: criteria provided, single submitter. Criteria: EGL Classification Definitions 2015. Collection method: clinical testing. Allele origin: germline. Observed: 1 variant allele, 1 heterozygote.